The following is an entry in ClinVar:

ClinVar aggregate classification (germline): Pathogenic (1 of 4 stars; one submission).

Submission:

GeneDx
Classification: Pathogenic. Last evaluated: 2016-05-20. Review status: criteria provided, single submitter. Criteria: GeneDx Variant Classification (06012015). Collection method: clinical testing. Allele origin: germline. Affected: yes.
Comment: The c.1662+2 T>C splice site variant in the SCN1A gene has been previously reported as a de novo pathogenic variant in an individual with severe myoclonic epilepsy of infancy (Harkin et al., 2007). This variantdestroys the canonical splice donor site in intron 10, and is expected to cause abnormal gene splicing. Therefore, c.1662+2 T>C in SCN1A is interpreted as a pathogenic variant.

NM_001165963.4(SCN1A):c.1662+2T>C

Gene: SCN1A (sodium voltage-gated channel alpha subunit 1; minus strand). Cytogenetic location: 2q24.3.
Variant type: single nucleotide variant.
Coding change: c.1662+2T>C on transcript NM_001165963.4 (MANE Select); the canonical splice donor site of the intron after coding-DNA position 1662, T replaced by C.
Molecular consequence: splice donor variant.
Genome position (GRCh38, 1-based): chr2:166,045,041, A>G on the plus strand (T>C on the coding strand, the complement: SCN1A is on the minus strand). VCF-style: chr2-166045041-A-G. GRCh37 (hg19) VCF-style: chr2-166901551-A-G.
Other names: c.1662+2T>C (NM_001353957.2, NM_001353951.2, NM_001353948.2 and 7 more transcripts); c.1659+2T>C (NM_001353960.2, NM_001353954.2, NM_001353955.2); c.-764+2T>C (NM_001353961.2).
Identifiers: ClinVar variation 429711 (VCV000429711.2), dbSNP rs1131691545, ClinGen allele CA349068213.